The following is an entry in ClinVar:

NM_021072.4(HCN1):c.986G>T (p.Cys329Phe)

Gene: HCN1 (hyperpolarization activated cyclic nucleotide gated potassium channel 1; minus strand). Cytogenetic location: 5p12.
Variant type: single nucleotide variant.
Coding change: c.986G>T on transcript NM_021072.4 (MANE Select); coding-DNA position 986, G replaced by T.
Protein change: p.Cys329Phe; replaces cysteine 329 with phenylalanine.
Molecular consequence: missense variant.
Genome position (GRCh38, 1-based): chr5:45,461,871, C>A on the plus strand (G>T on the coding strand, the complement: HCN1 is on the minus strand). VCF-style: chr5-45461871-C-A. GRCh37 (hg19) VCF-style: chr5-45461973-C-A.
Other names: short protein forms C329F.
Identifiers: ClinVar variation 3234083 (VCV003234083.1), dbSNP rs1318391259, ClinGen allele CA359704748.

ClinVar aggregate classification (germline): Uncertain significance (1 of 4 stars; one submission).

Conditions:
Developmental and epileptic encephalopathy, 24 (DEE24). Also called: Epileptic encephalopathy, early infantile, 24. Identifiers: Orphanet 442835, MedGen C4014531, MONDO:0014377, OMIM 615871.

Allele frequency attached by ClinVar (database versions not stated): gnomAD 0.00001.
gnomAD v4.1: 1 of 1,613,324 alleles (0.000062%); highest among the groups gnomAD compares: Non-Finnish European, 0.000085%; no homozygotes.

Submission:

MVZ Medizinische Genetik Mainz
Classification: Uncertain significance for Developmental and epileptic encephalopathy, 24. Last evaluated: 2022-12-15. Review status: criteria provided, single submitter. Criteria: UK Practice Guidelines For Variant Classification V4 01 2020. Collection method: clinical testing. Allele origin: germline. Inheritance: Autosomal dominant inheritance. Affected: yes. Observed: 1 variant allele.
Comment: ACMG Criteria: PM2_SUP, PM5_SUP, PP2, PP3 (ACMG Version 4)